The following is an entry in ClinVar:

NM_032578.4(MYPN):c.1474G>A (p.Ala492Thr)

Gene: MYPN (myopalladin; plus strand). Cytogenetic location: 10q21.3.
Variant type: single nucleotide variant.
Coding change: c.1474G>A on transcript NM_032578.4 (MANE Select); coding-DNA position 1474, G replaced by A.
Protein change: p.Ala492Thr; replaces alanine 492 with threonine.
Molecular consequence: missense variant. On other transcripts: non-coding transcript variant (1).
Genome position (GRCh38, 1-based): chr10:68,161,743, G>A. VCF-style: chr10-68161743-G-A. GRCh37 (hg19) VCF-style: chr10-69921500-G-A.
Other names: c.1474G>A, p.Ala492Thr (NM_001256267.2); c.592G>A, p.Ala198Thr (NM_001256268.2); short protein forms A492T, A198T.
Identifiers: ClinVar variation 1424059 (VCV001424059.8), dbSNP rs2134151595, ClinGen allele CA376836027.

ClinVar aggregate classification (germline): Uncertain significance (1 of 4 stars; one submission).

Conditions:
Dilated cardiomyopathy 1KK (CMD1KK). Identifiers: Orphanet 154, Orphanet 75249, MedGen C3714995, MONDO:0014100, OMIM 615248.

Submission:

Labcorp Genetics (formerly Invitae), Labcorp
Classification: Uncertain significance for Dilated cardiomyopathy 1KK. Last evaluated: 2020-12-18. Review status: criteria provided, single submitter. Criteria: Invitae Variant Classification Sherloc (09022015). Collection method: clinical testing. Allele origin: germline.
Comment: This variant is not present in population databases (ExAC no frequency). This sequence change replaces alanine with threonine at codon 492 of the MYPN protein (p.Ala492Thr). The alanine residue is highly conserved and there is a small physicochemical difference between alanine and threonine. This variant has not been reported in the literature in individuals with MYPN-related conditions. In summary, the available evidence is currently insufficient to determine the role of this variant in disease. Therefore, it has been classified as a Variant of Uncertain Significance. Algorithms developed to predict the effect of missense changes on protein structure and function are either unavailable or do not agree on the potential impact of this missense change (SIFT: "Deleterious"; PolyPhen-2: "Possibly Damaging"; Align-GVGD: "Class C0").